The following is an entry in ClinVar:

NM_000161.3(GCH1):c.428A>G (p.His143Arg)

Gene: GCH1 (GTP cyclohydrolase 1; minus strand). Cytogenetic location: 14q22.2.
Variant type: single nucleotide variant.
Coding change: c.428A>G on transcript NM_000161.3 (MANE Select); coding-DNA position 428, A replaced by G.
Protein change: p.His143Arg; replaces histidine 143 with arginine.
Molecular consequence: missense variant.
Genome position (GRCh38, 1-based): chr14:54,865,352, T>C on the plus strand (A>G on the coding strand, the complement: GCH1 is on the minus strand). VCF-style: chr14-54865352-T-C. GRCh37 (hg19) VCF-style: chr14-55332070-T-C.
Other names: c.428A>G, p.His143Arg (NM_001024024.2, NM_001024070.2, NM_001024071.2 and 1 more transcripts); c.134A>G, p.His45Arg (NM_001424105.1); short protein forms H143R, H45R.
Identifiers: ClinVar variation 3343521 (VCV003343521.1).
Genomic context (GRCh38, chr14:54,865,352, plus strand): 5'-TTTAAATTGCTGGGAAACAACAAAGAGAACCTTACCTTTCCAACAAATGGAACCAAGTGA[T>C]GCTCACACATGGAAAACATGTCTATGTCCTTCACAATCACCATCTCATCATGATCTTCAT-3'
Protein context (NP_000152.1, residues 133-153): KDIDMFSMCE[His143Arg]HLVPFVGKVH

ClinVar aggregate classification (germline): Uncertain significance (1 of 4 stars; one submission).

Submission:

GeneDx
Classification: Uncertain significance. Last evaluated: 2023-05-15. Review status: criteria provided, single submitter. Criteria: GeneDx Variant Classification Process June 2021. Collection method: clinical testing. Allele origin: germline. Affected: yes.
Comment: Not observed at significant frequency in large population cohorts (gnomAD); In silico analysis supports that this missense variant has a deleterious effect on protein structure/function; Has not been previously published as pathogenic or benign to our knowledge